The following is an entry in ClinVar:

NM_006147.4(IRF6):c.1270T>G (p.Ser424Ala)

Gene: IRF6 (interferon regulatory factor 6; minus strand). Cytogenetic location: 1q32.2.
Variant type: single nucleotide variant.
Coding change: c.1270T>G on transcript NM_006147.4 (MANE Select); coding-DNA position 1270, T replaced by G.
Protein change: p.Ser424Ala; replaces serine 424 with alanine.
Molecular consequence: missense variant.
Genome position (GRCh38, 1-based): chr1:209,788,554, A>C on the plus strand (T>G on the coding strand, the complement: IRF6 is on the minus strand). VCF-style: chr1-209788554-A-C. GRCh37 (hg19) VCF-style: chr1-209961899-A-C.
Other names: c.985T>G, p.Ser329Ala (NM_001206696.2); short protein forms S329A, S424A.
Identifiers: ClinVar variation 1014137 (VCV001014137.48), dbSNP rs2077848377, ClinGen allele CA344573133.

ClinVar aggregate classification (germline): Uncertain significance (1 of 4 stars; one submission).

Conditions:
Orofacial cleft 6, susceptibility to (OFC6). Also called: CLEFT LIP WITH OR WITHOUT CLEFT PALATE, NONSYNDROMIC, 6. Identifiers: MedGen C1837213, MONDO:0012141, OMIM 608864.
Popliteal pterygium syndrome (PPS). Identifiers: Orphanet 294963, MedGen C0265259, MONDO:0017435.
Van der Woude syndrome. Identifiers: Orphanet 888, MedGen C0175697, MONDO:0019508.

Submission:

Labcorp Genetics (formerly Invitae), Labcorp
Classification: Uncertain significance for Orofacial cleft 6, susceptibility to; Van der Woude syndrome; Popliteal pterygium syndrome. Last evaluated: 2020-01-08. Review status: criteria provided, single submitter. Criteria: Invitae Variant Classification Sherloc (09022015). Collection method: clinical testing. Allele origin: germline.
Comment: This variant is not present in population databases (ExAC no frequency). This variant has not been reported in the literature in individuals with IRF6-related conditions. Algorithms developed to predict the effect of missense changes on protein structure and function (SIFT, PolyPhen-2, Align-GVGD) all suggest that this variant is likely to be disruptive, but these predictions have not been confirmed by published functional studies and their clinical significance is uncertain. In summary, the available evidence is currently insufficient to determine the role of this variant in disease. Therefore, it has been classified as a Variant of Uncertain Significance. This sequence change replaces serine with alanine at codon 424 of the IRF6 protein (p.Ser424Ala). The serine residue is highly conserved and there is a moderate physicochemical difference between serine and alanine.